The following is an entry in ClinVar:

NM_181882.3(PRX):c.178C>A (p.Gln60Lys)

Gene: PRX (periaxin; minus strand). Cytogenetic location: 19q13.2.
Variant type: single nucleotide variant.
Coding change: c.178C>A on transcript NM_181882.3 (MANE Select); coding-DNA position 178, C replaced by A.
Protein change: p.Gln60Lys; replaces glutamine 60 with lysine.
Molecular consequence: missense variant.
Genome position (GRCh38, 1-based): chr19:40,403,712, G>T on the plus strand (C>A on the coding strand, the complement: PRX is on the minus strand). VCF-style: chr19-40403712-G-T. GRCh37 (hg19) VCF-style: chr19-40909619-G-T.
Other names: c.463C>A, p.Gln155Lys (NM_001411127.1); c.178C>A, p.Gln60Lys (NM_020956.2); short protein forms Q155K, Q60K.
Identifiers: ClinVar variation 1900859 (VCV001900859.3), dbSNP rs781393814, ClinGen allele CA9444561.

ClinVar aggregate classification (germline): Uncertain significance (1 of 4 stars; one submission).

Conditions:
Charcot-Marie-Tooth disease type 4. Also called: Charcot-Marie-Tooth, Type 4; Charcot-Marie-Tooth disease, type IV. Identifiers: Orphanet 64749, MedGen C4082197, MONDO:0018995.

Allele frequency attached by ClinVar (database versions not stated): gnomAD 0.00001; ExAC 0.00006.
gnomAD v4.1: 21 of 1,554,342 alleles (0.0014%); highest among the groups gnomAD compares: Non-Finnish European, 0.0018%; no homozygotes.

Submission:

Labcorp Genetics (formerly Invitae), Labcorp
Classification: Uncertain significance for Charcot-Marie-Tooth disease type 4. Last evaluated: 2022-01-17. Review status: criteria provided, single submitter. Criteria: Invitae Variant Classification Sherloc (09022015). Collection method: clinical testing. Allele origin: germline.
Comment: Algorithms developed to predict the effect of missense changes on protein structure and function (SIFT, PolyPhen-2, Align-GVGD) all suggest that this variant is likely to be tolerated. In summary, the available evidence is currently insufficient to determine the role of this variant in disease. Therefore, it has been classified as a Variant of Uncertain Significance. This variant has not been reported in the literature in individuals affected with PRX-related conditions. The frequency data for this variant in the population databases is considered unreliable, as metrics indicate poor data quality at this position in the gnomAD database. This sequence change replaces glutamine, which is neutral and polar, with lysine, which is basic and polar, at codon 60 of the PRX protein (p.Gln60Lys).